The following is an entry in ClinVar:

NM_005585.5(SMAD6):c.19T>C (p.Ser7Pro)

Gene: SMAD6 (SMAD family member 6; plus strand). Cytogenetic location: 15q22.31.
Variant type: single nucleotide variant.
Coding change: c.19T>C on transcript NM_005585.5 (MANE Select); coding-DNA position 19, T replaced by C.
Protein change: p.Ser7Pro; replaces serine 7 with proline.
Molecular consequence: missense variant. On other transcripts: non-coding transcript variant (1).
Genome position (GRCh38, 1-based): chr15:66,703,277, T>C. VCF-style: chr15-66703277-T-C. GRCh37 (hg19) VCF-style: chr15-66995615-T-C.
Other names: short protein forms S7P.
Identifiers: ClinVar variation 1378432 (VCV001378432.6), dbSNP rs1448375284, ClinGen allele CA392948279.

ClinVar aggregate classification (germline): Uncertain significance (1 of 4 stars; one submission).

Conditions:
Aortic valve disease 2 (AOVD2). Identifiers: MedGen C3542024, MONDO:0013902, OMIM 614823.

Submission:

Labcorp Genetics (formerly Invitae), Labcorp
Classification: Uncertain significance for Aortic valve disease 2. Last evaluated: 2021-08-29. Review status: criteria provided, single submitter. Criteria: Invitae Variant Classification Sherloc (09022015). Collection method: clinical testing. Allele origin: germline.
Comment: This sequence change replaces serine with proline at codon 7 of the SMAD6 protein (p.Ser7Pro). The serine residue is moderately conserved and there is a moderate physicochemical difference between serine and proline. The frequency data for this variant in the population databases is considered unreliable, as metrics indicate insufficient coverage at this position in the ExAC database. This variant has not been reported in the literature in individuals affected with SMAD6-related conditions. Algorithms developed to predict the effect of missense changes on protein structure and function are either unavailable or do not agree on the potential impact of this missense change (SIFT: "Deleterious"; PolyPhen-2: "Probably Damaging"; Align-GVGD: "Class C0"). In summary, the available evidence is currently insufficient to determine the role of this variant in disease. Therefore, it has been classified as a Variant of Uncertain Significance.